The following is an entry in ClinVar:

ClinVar aggregate classification (germline): Pathogenic (1 of 4 stars; one submission).

Conditions:
Peroxisome biogenesis disorder 5A (Zellweger) (PBD5A). Identifiers: Orphanet 912, MedGen C3553940, MONDO:0013932, OMIM 614866.

Submission:

Labcorp Genetics (formerly Invitae), Labcorp
Classification: Pathogenic for Peroxisome biogenesis disorder 5A (Zellweger). Last evaluated: 2024-02-02. Review status: criteria provided, single submitter. Criteria: Invitae Variant Classification Sherloc (09022015). Collection method: clinical testing. Allele origin: germline.
Comment: This sequence change creates a premature translational stop signal (p.Arg13*) in the PEX2 gene. While this is not anticipated to result in nonsense mediated decay, it is expected to disrupt the last 293 amino acid(s) of the PEX2 protein. This variant is not present in population databases (gnomAD no frequency). This variant has not been reported in the literature in individuals affected with PEX2-related conditions. This variant disrupts a region of the PEX2 protein in which other variant(s) (p.Lys215Serfs*2) have been determined to be pathogenic (PMID: 10652207, 14630978, 17041890; Invitae). This suggests that this is a clinically significant region of the protein, and that variants that disrupt it are likely to be disease-causing. For these reasons, this variant has been classified as Pathogenic.

Literature cited by the submitters: PubMed 10652207; PubMed 14630978; PubMed 17041890.

NM_000318.3(PEX2):c.37A>T (p.Arg13Ter)

Gene: PEX2 (peroxisomal biogenesis factor 2; minus strand). Cytogenetic location: 8q21.13.
Variant type: single nucleotide variant.
Coding change: c.37A>T on transcript NM_000318.3 (MANE Select); coding-DNA position 37, A replaced by T.
Protein change: p.Arg13Ter; replaces arginine 13 with a stop codon.
Molecular consequence: nonsense.
Genome position (GRCh38, 1-based): chr8:76,984,142, T>A on the plus strand (A>T on the coding strand, the complement: PEX2 is on the minus strand). VCF-style: chr8-76984142-T-A. GRCh37 (hg19) VCF-style: chr8-77896378-T-A.
Other names: c.37A>T, p.Arg13Ter (NM_001079867.2, NM_001172086.2, NM_001172087.2); short protein forms R13*.
Identifiers: ClinVar variation 3638397 (VCV003638397.2).